The following is an entry in ClinVar:

NM_004082.5(DCTN1):c.1393-7G>A

Gene: DCTN1 (dynactin subunit 1; minus strand). Cytogenetic location: 2p13.1.
Variant type: single nucleotide variant.
Coding change: c.1393-7G>A on transcript NM_004082.5 (MANE Select); 7 bases into the intron before coding-DNA position 1393, G replaced by A.
Molecular consequence: intron variant.
Genome position (GRCh38, 1-based): chr2:74,369,498, C>T on the plus strand (G>A on the coding strand, the complement: DCTN1 is on the minus strand). VCF-style: chr2-74369498-C-T. GRCh37 (hg19) VCF-style: chr2-74596625-C-T.
Other names: c.1282-7G>A (NM_001190836.2); c.1324-7G>A (NM_001378992.1); c.1342-7G>A (NM_001378991.1); c.1333-7G>A (NM_001135040.3); c.1372-7G>A (NM_001190837.2); c.991-7G>A (NM_001135041.3, NM_023019.4).
Identifiers: ClinVar variation 653139 (VCV000653139.11), dbSNP rs886056330, ClinGen allele CA915944052.
Genomic context (GRCh38, chr2:74,369,498, plus strand): 5'-TTCTGTCTCACGTGCATTCTCCTGCAGCTCATCGTTCATCTCATTCATCGCTTCCTAGGA[C>T]ACCACACCATAGTTTGGGCTAAAGAAAGGCAGGGTCGGCCAGCGGCGGTGGTTCACACCT-3'

ClinVar aggregate classification (germline): Likely benign. Review status: criteria provided, multiple submitters, no conflicts (2 of 4 stars). 3 submissions from 3 submitters: Likely benign (3). Last evaluated 2026-07-08.

Conditions:
DCTN1-related disorder. Also called: DCTN1-related condition.
Perry syndrome. Also called: PARKINSONISM WITH ALVEOLAR HYPOVENTILATION AND MENTAL DEPRESSION. Identifiers: Orphanet 178509, MedGen C1868594, MONDO:0008201, OMIM 168605.
Neuronopathy, distal hereditary motor, type 7B. Also called: NEURONOPATHY, DISTAL HEREDITARY MOTOR, AUTOSOMAL DOMINANT 14; NEURONOPATHY, DISTAL HEREDITARY MOTOR, HARDING TYPE VIIB; NEUROPATHY, DISTAL HEREDITARY MOTOR, HARDING TYPE VIIB; NEUROPATHY, DISTAL HEREDITARY MOTOR, WITH VOCAL CORD PARALYSIS, HARDING TYPE VIIB; HMN VIIB; LOWER MOTOR NEURON DISEASE, DYNACTIN TYPE. Identifiers: Orphanet 139589, MedGen C1843315, MONDO:0011879, OMIM 607641.
Amyotrophic lateral sclerosis type 1 (ALS1). Also called: AMYOTROPHIC LATERAL SCLEROSIS 1, FAMILIAL. Identifiers: Orphanet 803, MedGen C1862939, MONDO:0007103, OMIM 105400.

gnomAD v4.1: 10 of 1,611,604 alleles (0.00062%); highest among the groups gnomAD compares: Non-Finnish European, 0.00085%; no homozygotes.

Submissions (3):

PreventionGenetics, part of Exact Sciences
Classification: Likely benign for DCTN1-related condition. Last evaluated: 2026-07-08. Review status: criteria provided, single submitter. Criteria: ACMG Guidelines, 2015. Collection method: clinical testing. Allele origin: germline.
Comment: This variant is classified as likely benign based on ACMG/AMP sequence variant interpretation guidelines (Richards et al. 2015 PMID: 25741868, with internal and published modifications).

Women's Health and Genetics/Laboratory Corporation of America, LabCorp
Classification: Likely benign. Last evaluated: 2025-12-29. Review status: criteria provided, single submitter. Criteria: LabCorp Variant Classification Summary - May 2015. Collection method: clinical testing. Allele origin: germline.

Labcorp Genetics (formerly Invitae), Labcorp
Classification: Likely benign for Amyotrophic lateral sclerosis type 1; Neuronopathy, distal hereditary motor, type 7B; Perry syndrome. Last evaluated: 2025-05-19. Review status: criteria provided, single submitter. Criteria: Invitae Variant Classification Sherloc (09022015). Collection method: clinical testing. Allele origin: germline.